The following is an entry in ClinVar:

NM_015294.6(TRIM37):c.2279C>T (p.Ser760Leu)

Gene: TRIM37 (tripartite motif containing 37; minus strand). Cytogenetic location: 17q22.
Variant type: single nucleotide variant.
Coding change: c.2279C>T on transcript NM_015294.6 (MANE Select); coding-DNA position 2279, C replaced by T.
Protein change: p.Ser760Leu; replaces serine 760 with leucine.
Molecular consequence: missense variant. On other transcripts: non-coding transcript variant (2).
Genome position (GRCh38, 1-based): chr17:59,017,403, G>A on the plus strand (C>T on the coding strand, the complement: TRIM37 is on the minus strand). VCF-style: chr17-59017403-G-A. GRCh37 (hg19) VCF-style: chr17-57094764-G-A.
Other names: c.2279C>T, p.Ser760Leu (NM_001005207.5, NM_001320988.3, NM_001320989.3 and 1 more transcripts); c.2177C>T, p.Ser726Leu (NM_001320987.3, NM_001353082.2); c.1913C>T, p.Ser638Leu (NM_001320990.3); c.1544C>T, p.Ser515Leu (NM_001353083.2); c.1817C>T, p.Ser606Leu (NM_001353085.2); c.2228C>T, p.Ser743Leu (NM_001353086.2); c.2279C>T (NM_015294.3); short protein forms S638L, S726L, S760L, S515L, S606L, S743L.
Identifiers: ClinVar variation 2200922 (VCV002200922.3), dbSNP rs570821880, ClinGen allele CA8678096.

ClinVar aggregate classification (germline): Uncertain significance. Review status: criteria provided, multiple submitters, no conflicts (2 of 4 stars). 3 submissions from 3 submitters: Uncertain significance (3). Last evaluated 2026-10-01.

Conditions:
Inborn genetic diseases. Identifiers: MedGen C0950123, MeSH D030342.
Mulibrey nanism syndrome. Also called: MUSCLE-LIVER-BRAIN-EYE NANISM; PERHEENTUPA SYNDROME; PERICARDIAL CONSTRICTION AND GROWTH FAILURE. Identifiers: Orphanet 2576, MedGen C0524582, MONDO:0009664, OMIM 253250.

Allele frequency attached by ClinVar (database versions not stated): gnomAD exomes 0.00001; TOPMed 0.00001; gnomAD 0.00002; ExAC 0.00004; 1000 Genomes Project 30x 0.00016; 1000 Genomes Project 0.00020.
gnomAD v4.1: 23 of 1,613,982 alleles (0.0014%); highest among the groups gnomAD compares: South Asian, 0.019%; no homozygotes.

Submissions (3):

St. Jude Molecular Pathology, St. Jude Children's Research Hospital
Classification: Uncertain significance for Mulibrey nanism syndrome. Last evaluated: 2026-10-01. Review status: criteria provided, single submitter. Criteria: St. Jude Assertion Criteria 2020. Collection method: clinical testing. Allele origin: germline.
Comment: The TRIM37 c.2279C>T p.(Ser760Leu) missense change has a maximum subpopulation frequency of 0.023%in gnomAD v2.1.1. The in silico tool REVEL predicts a benign effect on protein function, but this prediction has not been confirmed by functional studies. This vari ant has not been reported in individuals with TRIM37-related disease. In summary, the evidence currently available is insufficient to determine the clinical significance of this variant. It has therefore been classified as of uncertain significance.

Ambry Genetics
Classification: Uncertain significance for Inborn genetic diseases. Last evaluated: 2025-05-03. Review status: criteria provided, single submitter. Criteria: Ambry Variant Classification Scheme 2023. Collection method: clinical testing. Allele origin: germline.

Labcorp Genetics (formerly Invitae), Labcorp
Classification: Uncertain significance. Last evaluated: 2022-05-03. Review status: criteria provided, single submitter. Criteria: Invitae Variant Classification Sherloc (09022015). Collection method: clinical testing. Allele origin: germline.
Comment: This sequence change replaces serine, which is neutral and polar, with leucine, which is neutral and non-polar, at codon 760 of the TRIM37 protein (p.Ser760Leu). The frequency data for this variant in the population databases is considered unreliable, as metrics indicate poor data quality at this position in the gnomAD database. This variant has not been reported in the literature in individuals affected with TRIM37-related conditions. Algorithms developed to predict the effect of missense changes on protein structure and function are either unavailable or do not agree on the potential impact of this missense change (SIFT: "Not Available"; PolyPhen-2: "Benign"; Align-GVGD: "Not Available"). In summary, the available evidence is currently insufficient to determine the role of this variant in disease. Therefore, it has been classified as a Variant of Uncertain Significance.